The following is an entry in ClinVar:

ClinVar aggregate classification (germline): Conflicting classifications of pathogenicity. Review status: criteria provided, conflicting classifications (1 of 4 stars). 4 submissions from 4 submitters: Uncertain significance (1); Likely benign (2). 1 of the submissions does not count toward it. Last evaluated 2026-01-13.

Conditions:
PJVK-related disorder. Also called: PJVK-related condition.
Autosomal recessive nonsyndromic hearing loss 59. Identifiers: Orphanet 90636, MedGen C1857744, MONDO:0012445, OMIM 610220.

Allele frequency attached by ClinVar (database versions not stated): gnomAD exomes 0.00006 and 0.00012; ESP Exome Variant Server 0.00008; gnomAD 0.00009; TOPMed 0.00011; ExAC 0.00005.
gnomAD v4.1: 195 of 1,612,778 alleles (0.012%); highest among the groups gnomAD compares: Non-Finnish European, 0.016%; no homozygotes.

Submissions (4):

Labcorp Genetics (formerly Invitae), Labcorp
Classification: Likely benign. Last evaluated: 2026-01-13. Review status: criteria provided, single submitter. Criteria: Invitae Variant Classification Sherloc (09022015). Collection method: clinical testing. Allele origin: germline.

Illumina Laboratory Services, Illumina
Classification: Uncertain significance for Autosomal recessive nonsyndromic hearing loss 59. Last evaluated: 2017-04-27. Review status: criteria provided, single submitter. Criteria: ICSL Variant Classification Criteria 13 December 2019. Collection method: clinical testing. Allele origin: germline.

Laboratory for Molecular Medicine, Mass General Brigham Personalized Medicine
Classification: Likely benign. Last evaluated: 2013-12-15. Review status: criteria provided, single submitter. Criteria: LMM Criteria. Collection method: clinical testing. Allele origin: germline. Observed: 1 variant allele.
Comment: Thr135Thr in Exon 3 of DFNB59: This variant is not expected to have clinical sig nificance because it does not alter an amino acid residue and, although it is lo cated 3 bp away from the exon/intron junction, computational tools do not sugges t an impact to splicing. The variant has been identified in 0.03% (3/8600) of E uropean American chromosomes by the NHLBI Exome Sequencing Project (s.; dbSNP rs20098046).

PreventionGenetics, part of Exact Sciences
Classification: Likely benign for PJVK-related condition. Last evaluated: 2020-08-19. Review status: no assertion criteria provided. Collection method: clinical testing. Allele origin: germline. Not counted in ClinVar's aggregate classification.
Comment: This variant is classified as likely benign based on ACMG/AMP sequence variant interpretation guidelines (Richards et al. 2015 PMID: 25741868, with internal and published modifications).

NM_001042702.5(PJVK):c.405A>C (p.Thr135=)

Gene: PJVK (pejvakin; plus strand). Cytogenetic location: 2q31.2.
Variant type: single nucleotide variant.
Coding change: c.405A>C on transcript NM_001042702.5 (MANE Select); coding-DNA position 405, A replaced by C.
Protein change: p.Thr135=; no amino-acid change (threonine 135 retained).
Molecular consequence: synonymous variant. On other transcripts: 5 prime UTR variant (2).
Genome position (GRCh38, 1-based): chr2:178,454,525, A>C. VCF-style: chr2-178454525-A-C. GRCh37 (hg19) VCF-style: chr2-179319252-A-C.
Other names: c.414A>C, p.Thr138= (NM_001353775.2); c.510A>C, p.Thr170= (NM_001353776.2); c.-73A>C (NM_001353777.1, NM_001353778.2); c.405A>C, p.Thr135= (NM_001369912.1).
Identifiers: ClinVar variation 163062 (VCV000163062.13), dbSNP rs373800401, ClinGen allele CA175652.